The following is an entry in ClinVar:

ClinVar aggregate classification (germline): Conflicting classifications of pathogenicity. Review status: criteria provided, conflicting classifications (1 of 4 stars). 2 submissions from 2 submitters: Uncertain significance (1); Likely benign (1). Last evaluated 2023-08-16.

Conditions:
Familial sleep-related hypermotor epilepsy. Also called: Autosomal Dominant Sleep-Related Hypermotor (Hyperkinetic) Epilepsy. Identifiers: Orphanet 98784, MedGen C3696898, MONDO:0000030.

Allele frequency attached by ClinVar (database versions not stated): TOPMed 0.00002.
gnomAD v4.1: 2 of 1,535,490 alleles (0.00013%); no homozygotes.

Submissions (2):

Labcorp Genetics (formerly Invitae), Labcorp
Classification: Uncertain significance. Last evaluated: 2023-08-16. Review status: criteria provided, single submitter. Criteria: Invitae Variant Classification Sherloc (09022015). Collection method: clinical testing. Allele origin: germline.
Comment: This sequence change replaces glycine, which is neutral and non-polar, with arginine, which is basic and polar, at codon 417 of the CHRNB2 protein (p.Gly417Arg). This variant is not present in population databases (gnomAD no frequency). This variant has not been reported in the literature in individuals affected with CHRNB2-related conditions. ClinVar contains an entry for this variant (Variation ID: 380414). Advanced modeling of protein sequence and biophysical properties (such as structural, functional, and spatial information, amino acid conservation, physicochemical variation, residue mobility, and thermodynamic stability) performed at Invitae indicates that this missense variant is not expected to disrupt CHRNB2 protein function. In summary, the available evidence is currently insufficient to determine the role of this variant in disease. Therefore, it has been classified as a Variant of Uncertain Significance.

GeneDx
Classification: Likely benign. Last evaluated: 2015-08-18. Review status: criteria provided, single submitter. Criteria: GeneDx Variant Classification (06012015). Collection method: clinical testing. Allele origin: germline. Affected: yes.
Comment: This variant is considered likely benign or benign based on one or more of the following criteria: it is a conservative change, it occurs at a poorly conserved position in the protein, it is predicted to be benign by multiple in silico algorithms, and/or has population frequency not consistent with disease.

NM_000748.3(CHRNB2):c.1249G>A (p.Gly417Arg)

Gene: CHRNB2 (cholinergic receptor nicotinic beta 2 subunit; plus strand). Cytogenetic location: 1q21.3.
Variant type: single nucleotide variant.
Coding change: c.1249G>A on transcript NM_000748.3 (MANE Select); coding-DNA position 1249, G replaced by A.
Protein change: p.Gly417Arg; replaces glycine 417 with arginine.
Molecular consequence: missense variant.
Genome position (GRCh38, 1-based): chr1:154,572,072, G>A. VCF-style: chr1-154572072-G-A. GRCh37 (hg19) VCF-style: chr1-154544548-G-A.
Other names: short protein forms G417R.
Identifiers: ClinVar variation 380414 (VCV000380414.9), dbSNP rs1057520852, ClinGen allele CA16603442.